The following is an entry in ClinVar:

NM_001379110.1(SLC9A6):c.1662-4G>A

Gene: SLC9A6 (solute carrier family 9 member A6; plus strand). Cytogenetic location: Xq26.3.
Variant type: single nucleotide variant.
Coding change: c.1662-4G>A on transcript NM_001379110.1 (MANE Select); 4 bases into the intron before coding-DNA position 1662, G replaced by A.
Molecular consequence: intron variant.
Genome position (GRCh38, 1-based): chrX:136,040,072, G>A. VCF-style: chrX-136040072-G-A. GRCh37 (hg19) VCF-style: chrX-135122231-G-A.
Other names: p.?; c.1728-4G>A (NM_001042537.2); c.1632-4G>A (NM_006359.3); c.1572-4G>A (NM_001177651.2); c.1476-4G>A (NM_001330652.2).
Identifiers: ClinVar variation 139208 (VCV000139208.30), dbSNP rs188072063, ClinGen allele CA173494.

ClinVar aggregate classification (germline): Benign. Review status: criteria provided, multiple submitters, no conflicts (2 of 4 stars). 12 submissions from 12 submitters: Benign (9). 3 of the submissions do not count toward it. Last evaluated 2026-02-03.

Conditions:
Inborn genetic diseases. Identifiers: MedGen C0950123, MeSH D030342.
Christianson syndrome (MRXSCH). Also called: SLC9A6-Related Syndromic Mental Retardation; X-linked mental retardation, syndromic, Christianson type; INTELLECTUAL DEVELOPMENTAL DISORDER, X-LINKED, SYNDROMIC, CHRISTIANSON TYPE. Identifiers: Orphanet 85278, MedGen C2678194, MONDO:0010278, OMIM 300243.

Allele frequency attached by ClinVar (database versions not stated): 1000 Genomes Project 0.00450; 1000 Genomes Project 30x 0.00458; gnomAD exomes 0.00631 and 0.01104; gnomAD 0.00703 and 0.00707; TOPMed 0.00712; ESP Exome Variant Server 0.00786; ExAC 0.00814.
gnomAD v4.1: 12,697 of 1,197,139 alleles (1.1%); highest among the groups gnomAD compares: Non-Finnish European, 1.3%; 45 homozygotes.

Submissions (12):

Labcorp Genetics (formerly Invitae), Labcorp
Classification: Benign for Christianson syndrome. Last evaluated: 2026-02-03. Review status: criteria provided, single submitter. Criteria: Invitae Variant Classification Sherloc (09022015). Collection method: clinical testing. Allele origin: germline.

ARUP Laboratories, Molecular Genetics and Genomics, ARUP Laboratories
Classification: Benign for Christianson syndrome. Last evaluated: 2024-04-03. Review status: criteria provided, single submitter. Criteria: ARUP Molecular Germline Variant Investigation Process 2024. Collection method: clinical testing. Allele origin: germline.

Mayo Clinic Laboratories, Mayo Clinic
Classification: Benign. Last evaluated: 2023-07-06. Review status: criteria provided, single submitter. Criteria: ACMG Guidelines, 2015. Collection method: clinical testing. Allele origin: germline. Observed: 20 variant alleles.
Comment: BA1, BP4, BP7

Athena Diagnostics
Classification: Benign. Last evaluated: 2018-10-17. Review status: criteria provided, single submitter. Criteria: Athena Diagnostics Criteria. Collection method: clinical testing. Allele origin: germline.

Ambry Genetics
Classification: Benign for Inborn genetic diseases. Last evaluated: 2016-05-05. Review status: criteria provided, single submitter. Criteria: Ambry Variant Classification Scheme 2023. Collection method: clinical testing. Allele origin: germline.

Genetic Services Laboratory, University of Chicago
Classification: Benign. Last evaluated: 2015-05-08. Review status: criteria provided, single submitter. Criteria: ACMG Guidelines, 2015. Collection method: clinical testing. Allele origin: germline.

Eurofins Ntd Llc (ga)
Classification: Benign. Last evaluated: 2014-12-09. Review status: criteria provided, single submitter. Criteria: EGL Classification Definitions 2015. Collection method: clinical testing. Allele origin: germline. Observed: 1 variant allele, 1 hemizygote.

GeneDx
Classification: Benign. Last evaluated: 2012-04-19. Review status: criteria provided, single submitter. Criteria: GeneDx Variant Classification (06012015). Collection method: clinical testing. Allele origin: germline. Affected: yes.
Comment: This variant is considered likely benign or benign based on one or more of the following criteria: it is a conservative change, it occurs at a poorly conserved position in the protein, it is predicted to be benign by multiple in silico algorithms, and/or has population frequency not consistent with disease.

Breakthrough Genomics
Classification: Benign. Review status: criteria provided, single submitter. Criteria: ACMG Guidelines, 2015. Collection method: not provided. Allele origin: germline. Inheritance: X-linked inheritance. Affected: yes.

Diagnostic Laboratory, Department of Genetics, University Medical Center Groningen
Classification: Benign for Christianson syndrome. Review status: no assertion criteria provided. Collection method: clinical testing. Allele origin: germline. Affected: yes. Study: VKGL Data-share Consensus. Not counted in ClinVar's aggregate classification.

Genome Diagnostics Laboratory, University Medical Center Utrecht
Classification: Benign. Review status: no assertion criteria provided. Collection method: clinical testing. Allele origin: germline. Affected: yes. Study: VKGL Data-share Consensus. Not counted in ClinVar's aggregate classification.

Laboratory of Diagnostic Genome Analysis, Leiden University Medical Center (LUMC)
Classification: Likely benign. Review status: no assertion criteria provided. Collection method: clinical testing. Allele origin: germline. Affected: yes. Study: VKGL Data-share Consensus. Not counted in ClinVar's aggregate classification.